The following is an entry in ClinVar:

ClinVar aggregate classification (germline): Uncertain significance (1 of 4 stars; one submission).

gnomAD v4.1: 73 of 1,608,140 alleles (0.0045%); highest among the groups gnomAD compares: Non-Finnish European, 0.006%; no homozygotes.

Submission:

GeneDx
Classification: Uncertain significance. Last evaluated: 2024-09-05. Review status: criteria provided, single submitter. Criteria: GeneDx Variant Classification Process June 2021. Collection method: clinical testing. Allele origin: germline. Affected: yes.
Comment: In silico analysis supports a deleterious effect on splicing; Has not been previously published as pathogenic or benign to our knowledge

NM_181741.4(ORC4):c.762+3A>G

Gene: ORC4 (origin recognition complex subunit 4; minus strand). Cytogenetic location: 2q23.1.
Variant type: single nucleotide variant.
Coding change: c.762+3A>G on transcript NM_181741.4 (MANE Select); 3 bases into the intron after coding-DNA position 762, A replaced by G.
Molecular consequence: intron variant.
Genome position (GRCh38, 1-based): chr2:147,948,048, T>C on the plus strand (A>G on the coding strand, the complement: ORC4 is on the minus strand). VCF-style: chr2-147948048-T-C. GRCh37 (hg19) VCF-style: chr2-148705617-T-C.
Other names: c.762+3A>G (NM_181742.4, NM_001190879.3, NM_002552.5 and 1 more transcripts); c.510+3A>G (NM_001190881.3, NM_001374272.1); c.540+3A>G (NM_001190882.3).
Identifiers: ClinVar variation 3767567 (VCV003767567.1).